The following is an entry in ClinVar:

NM_000384.3(APOB):c.218C>A (p.Ala73Asp)

Genes: APOB (apolipoprotein B; minus strand), LOC106560211 (APOB 5' regulatory region; plus strand). Cytogenetic location: 2p24.1.
Variant type: single nucleotide variant.
Coding change: c.218C>A on transcript NM_000384.3 (MANE Select); coding-DNA position 218, C replaced by A.
Protein change: p.Ala73Asp; replaces alanine 73 with aspartic acid.
Molecular consequence: missense variant.
Genome position (GRCh38, 1-based): chr2:21,042,380, G>T on the plus strand (C>A on the coding strand, the complement: APOB is on the minus strand). VCF-style: chr2-21042380-G-T. GRCh37 (hg19) VCF-style: chr2-21265252-G-T.
Other names: short protein forms A73D.
Identifiers: ClinVar variation 548044 (VCV000548044.45), dbSNP rs377171241, ClinGen allele CA055521.
Genomic context (GRCh38, chr2:21,042,380, plus strand): 5'-AGCTGTGGGCTCTAGGTCCCTCCTGCCTGCATCCTCCATACCTTGCAGTTGATCCTGGTG[G>T]CACTTCTTGAATCAGCAGTCCCAGGGACTCCACTGGAACTCTCAGCCTCATAGTTGTATG-3'
Protein context (NP_000375.3, residues 63-83): GVPGTADSRS[Ala73Asp]TRINCKVELE

ClinVar aggregate classification (germline): Conflicting classifications of pathogenicity. Review status: criteria provided, conflicting classifications (1 of 4 stars). 8 submissions from 8 submitters: Uncertain significance (5); Likely benign (3). Last evaluated 2026-05-25.

Conditions:
Familial hypercholesterolemia. Also called: Familial hypercholesterolemias; Familial hypercholesterolaemia. Identifiers: MedGen C0020445, MONDO:0005439.
Cardiovascular phenotype. Identifiers: MedGen CN230736.
Hypercholesterolemia, autosomal dominant, type B (FHCL2). Also called: Hyperlipoproteinemia Type IIb; HYPERCHOLESTEROLEMIA, FAMILIAL, DUE TO LIGAND-DEFECTIVE APOLIPOPROTEIN B; Familial Hypercholesterolemia Type B; Familial hypercholesterolemia 2; APOB-Related Familial Hypercholesterolemia, Autosomal Dominant; APOLIPOPROTEIN B-100, FAMILIAL DEFECTIVE. Identifiers: MedGen C1704417, MONDO:0007751, OMIM 144010.
Familial hypobetalipoproteinemia 1. Also called: APOB-Related Familial Hypobetalipoproteinemia; Hypobetalipoproteinemia, normotriglyceridemic; Acanthocytosis with hypobetalipoproteinemia. Identifiers: MedGen C4551990, MONDO:0014252, OMIM 615558.
Hypercholesterolemia, familial, 1. Also called: LDL RECEPTOR DISORDER; Hyperlipoproteinemia Type IIa; HYPER-LOW-DENSITY-LIPOPROTEINEMIA; HYPERCHOLESTEROLEMIC XANTHOMATOSIS, FAMILIAL; Fredrickson type IIa hyperlipoproteinemia; Hyperlipoproteinemia type 2. Identifiers: Orphanet 391665, MedGen C0745103, MONDO:0007750, OMIM 143890.

Allele frequency attached by ClinVar (database versions not stated): gnomAD 0.00001; gnomAD exomes 0.00003; TOPMed 0.00003; ExAC 0.00004; ESP Exome Variant Server 0.00008.
gnomAD v4.1: 88 of 1,613,548 alleles (0.0055%); highest among the groups gnomAD compares: Non-Finnish European, 0.0074%; no homozygotes.

Submissions (8):

GeneDx
Classification: Uncertain significance. Last evaluated: 2026-05-25. Review status: criteria provided, single submitter. Criteria: GeneDx Variant Classification Process June 2021. Collection method: clinical testing. Allele origin: germline.
Comment: In silico analysis supports that this missense variant has a deleterious effect on protein structure/function; Also known as p.(A46D); This variant is associated with the following publications: (PMID: 24503134, 33303402, 24498611, 39802654)

Labcorp Genetics (formerly Invitae), Labcorp
Classification: Likely benign for Familial hypobetalipoproteinemia 1; Hypercholesterolemia, autosomal dominant, type B. Last evaluated: 2026-01-14. Review status: criteria provided, single submitter. Criteria: Invitae Variant Classification Sherloc (09022015). Collection method: clinical testing. Allele origin: germline.

Ambry Genetics
Classification: Likely benign for Cardiovascular phenotype. Last evaluated: 2024-03-13. Review status: criteria provided, single submitter. Criteria: Ambry Variant Classification Scheme 2023. Collection method: clinical testing. Allele origin: germline.

CeGaT Center for Human Genetics Tuebingen
Classification: Likely benign. Last evaluated: 2023-05-01. Review status: criteria provided, single submitter. Criteria: CeGaT Center For Human Genetics Tuebingen Variant Classification Criteria Version 2. Collection method: clinical testing. Allele origin: germline. Affected: yes. Observed: 1 variant allele.
Comment: APOB: BP4

New York Genome Center
Classification: Uncertain significance for Familial hypobetalipoproteinemia 1; Hypercholesterolemia, autosomal dominant, type B. Last evaluated: 2022-02-11. Review status: criteria provided, single submitter. Criteria: NYGC Assertion Criteria 2020. Collection method: clinical testing. Allele origin: germline. Observed: 1 heterozygote.
Comment: The c.218C>A variant identified in APOB has previously been reported in the literature in individuals with dyslipidemia [PMID:24503134, 33303402] and deposited in ClinVar as variant of unknown significance [ClinVar ID: 548044]. This variant is observed in 17 alleles (~0.003% minor allele frequency; 0 homozygote) in population databases (gnomAD v2.1.1 and v3.1.2, TOPMed Freeze 8), suggesting it is not a common benign variant in the populations represented in those databases. The c.218C>A variant is located in exon 3 of this 29-exon gene, and predicted to replace an alanine amino acid with aspartate at codon 73 (p.(Ala73Asp) within N-terminal Vitellogenin domain. In silico predictions are inconclusive of deleterious effect (CADD v1.6= 22.2, REVEL= 0.129); however, there are no functional studies to support or refute these predictions. Based on available evidence this c.218C>A p.(Ala73Asp) variant identified in APOB is classified as a Variant of Uncertain Significance.

Fulgent Genetics
Classification: Uncertain significance for Hypercholesterolemia, autosomal dominant, type B; Familial hypobetalipoproteinemia 1. Last evaluated: 2021-08-27. Review status: criteria provided, single submitter. Criteria: ACMG Guidelines, 2015. Collection method: clinical testing. Allele origin: unknown.

Color Diagnostics, LLC DBA Color Health
Classification: Uncertain significance for Familial hypercholesterolemia. Last evaluated: 2018-03-07. Review status: criteria provided, single submitter. Criteria: ACMG Guidelines, 2015. Collection method: clinical testing. Allele origin: germline.

Robarts Research Institute, Western University
Classification: Uncertain significance for Hypercholesterolemia, familial, 1. Last evaluated: 2018-01-02. Review status: criteria provided, single submitter. Criteria: ACMG Guidelines, 2015. Collection method: clinical testing. Allele origin: germline. Inheritance: Autosomal dominant inheritance. Affected: yes.

Literature cited by the submitters: PubMed 24503134 (cited by Ambry Genetics).